The following is an entry in ClinVar:

ClinVar aggregate classification (germline): Uncertain significance. Review status: criteria provided, multiple submitters, no conflicts (2 of 4 stars). 3 submissions from 3 submitters: Uncertain significance (3). Last evaluated 2021-11-07.

Conditions:
Mucopolysaccharidosis, MPS-IV-A (MPS4A). Also called: MPS IVA; Morquio syndrome A, mild; GALACTOSAMINE-6-SULFATASE DEFICIENCY; GALNS DEFICIENCY; MORQUIO A DISEASE; Mucopolysaccharidosis type IV A. Identifiers: Orphanet 309297, Orphanet 582, MedGen C0086651, MONDO:0009659, OMIM 253000.

Allele frequency attached by ClinVar (database versions not stated): gnomAD exomes 0.00002 and 0.00003; TOPMed 0.00002; gnomAD 0.00003; ExAC 0.00005.
gnomAD v4.1: 38 of 1,608,576 alleles (0.0024%); highest among the groups gnomAD compares: African/African-American, 0.008%; no homozygotes.

Submissions (3):

Genome-Nilou Lab
Classification: Uncertain significance for Mucopolysaccharidosis, MPS-IV-A. Last evaluated: 2021-11-07. Review status: criteria provided, single submitter. Criteria: ACMG Guidelines, 2015. Collection method: clinical testing. Allele origin: germline. Affected: no.

Laboratory of Diagnosis and Therapy of Lysosomal Disorders, University of Padova
Classification: Uncertain significance for Mucopolysaccharidosis, MPS-IV-A. Last evaluated: 2021-02-01. Review status: criteria provided, single submitter. Criteria: ACMG Guidelines, 2015. Collection method: curation. Allele origin: germline. Affected: yes.
Comment: The prevalence of the variant in affected individuals is significantly increased compared with the prevalence in controls (PS4_moderate); very low frequency in gnomAD v2.1.1 (PM2_moderate)

Illumina Laboratory Services, Illumina
Classification: Uncertain significance for Mucopolysaccharidosis, MPS-IV-A. Last evaluated: 2017-04-28. Review status: criteria provided, single submitter. Criteria: ICSL Variant Classification Criteria 13 December 2019. Collection method: clinical testing. Allele origin: germline.
Comment: This variant was observed as part of a predisposition screen in an ostensibly healthy population. A literature search was performed for the gene, cDNA change, and amino acid change (where applicable). Publications were found based on this search. However, the evidence from the literature, in combination with allele frequency data from public databases where available, was not sufficient to rule this variant in or out of causing disease. Therefore, this variant is classified as a variant of unknown significance.

Literature cited by the submitters: PubMed 15241807 (cited by Laboratory of Diagnosis and Therapy of Lysosomal Disorders, University of Padova and Illumina Laboratory Services, Illumina); PubMed 24726177 (cited by Laboratory of Diagnosis and Therapy of Lysosomal Disorders, University of Padova); PubMed 34387910 (cited by Laboratory of Diagnosis and Therapy of Lysosomal Disorders, University of Padova).

NM_000512.5(GALNS):c.1070C>T (p.Pro357Leu)

Gene: GALNS (galactosamine (N-acetyl)-6-sulfatase; minus strand). Cytogenetic location: 16q24.3.
Variant type: single nucleotide variant.
Coding change: c.1070C>T on transcript NM_000512.5 (MANE Select); coding-DNA position 1070, C replaced by T.
Protein change: p.Pro357Leu; replaces proline 357 with leucine.
Molecular consequence: missense variant.
Genome position (GRCh38, 1-based): chr16:88,826,771, G>A on the plus strand (C>T on the coding strand, the complement: GALNS is on the minus strand). VCF-style: chr16-88826771-G-A. GRCh37 (hg19) VCF-style: chr16-88893179-G-A.
Other names: c.515C>T, p.Pro172Leu (NM_001323543.2); c.1088C>T, p.Pro363Leu (NM_001323544.2); short protein forms P172L, P357L, P363L.
Identifiers: ClinVar variation 884856 (VCV000884856.10), dbSNP rs769748679, ClinGen allele CA8234834.